The following is an entry in ClinVar:

NM_015949.3(GET4):c.693G>A (p.Pro231=)

Gene: GET4 (guided entry of tail-anchored proteins factor 4; plus strand). Cytogenetic location: 7p22.3.
Variant type: single nucleotide variant.
Coding change: c.693G>A on transcript NM_015949.3 (MANE Select); coding-DNA position 693, G replaced by A.
Protein change: p.Pro231=; no amino-acid change (proline 231 retained).
Molecular consequence: synonymous variant.
Genome position (GRCh38, 1-based): chr7:892,365, G>A. VCF-style: chr7-892365-G-A. GRCh37 (hg19) VCF-style: chr7-932002-G-A.
Identifiers: ClinVar variation 714406 (VCV000714406.17), dbSNP rs138550078, ClinGen allele CA4113008.

ClinVar aggregate classification (germline): Benign/Likely benign. Review status: criteria provided, multiple submitters, no conflicts (2 of 4 stars). 2 submissions from 2 submitters: Benign (1); Likely benign (1). Last evaluated 2024-10-01.

Allele frequency attached by ClinVar (database versions not stated): 1000 Genomes Project 30x 0.00016; 1000 Genomes Project 0.00020; TOPMed 0.00131; gnomAD exomes 0.00138 and 0.00245; gnomAD 0.00140 and 0.00148; ExAC 0.00150; ESP Exome Variant Server 0.00231.

Submissions (2):

CeGaT Center for Human Genetics Tuebingen
Classification: Likely benign. Last evaluated: 2024-10-01. Review status: criteria provided, single submitter. Criteria: CeGaT Center For Human Genetics Tuebingen Variant Classification Criteria Version 2. Collection method: clinical testing. Allele origin: germline. Affected: yes. Observed: 1 variant allele.
Comment: GET4: BP4, BP7

Labcorp Genetics (formerly Invitae), Labcorp
Classification: Benign. Last evaluated: 2018-06-26. Review status: criteria provided, single submitter. Criteria: Invitae Variant Classification Sherloc (09022015). Collection method: clinical testing. Allele origin: germline.